The following is an entry in ClinVar:

ClinVar aggregate classification (germline): Uncertain significance. Review status: criteria provided, multiple submitters, no conflicts (2 of 4 stars). 2 submissions from 2 submitters: Uncertain significance (2). Last evaluated 2025-06-17.

Conditions:
Hereditary cancer-predisposing syndrome. Also called: Hereditary Cancer Syndrome; Hereditary neoplastic syndrome; Tumor predisposition; Neoplastic Syndromes, Hereditary. Identifiers: Orphanet 140162, MedGen C0027672, MeSH D009386, MONDO:0015356.
Juvenile polyposis syndrome (JPS). Identifiers: Orphanet 2929, MedGen C0345893, MONDO:0017380, OMIM 174900.

gnomAD v4.1: 3 of 1,614,014 alleles (0.00019%); highest among the groups gnomAD compares: South Asian, 0.0011%; no homozygotes.

Submissions (2):

St. Jude Molecular Pathology, St. Jude Children's Research Hospital
Classification: Uncertain significance for Juvenile polyposis syndrome. Last evaluated: 2025-06-17. Review status: criteria provided, single submitter. Criteria: St. Jude Assertion Criteria 2020. Collection method: clinical testing. Allele origin: germline.
Comment: The SMAD4 c.593C>T p.(Pro198Leu) missense change has a maximum subpopulation frequency of 0.0009% in gnomAD v2.1.1. The in silico tool REVEL is inconclusive about a pathogenic or benign effect of this variant on protein function, and to our knowledge functional studies have not been performed. To our knowledge, this variant has not been reported in individuals with juvenile polyposis syndrome. In summary, the evidence currently available is insufficient to determine the clinical significance of this variant. It has therefore been classified as of uncertain significance.

Molecular Diagnostics Laboratory, Catalan Institute of Oncology
Classification: Uncertain significance for Hereditary cancer-predisposing syndrome. Last evaluated: 2024-10-24. Review status: criteria provided, single submitter. Criteria: ACMG Guidelines, 2015. Collection method: clinical testing. Allele origin: germline.
Comment: PM2_Supporting c.593C>T, located in exon 5 of the SMAD4 gene, is predicted to result in the substitution of Pro by Leu at codon 198, p.(Pro198Leu). This variant is found in 1/268352 alleles at a frequency of 0.0004% in the gnomAD v2.1.1 database, non-cancer dataset (PM2_supporting). The SpliceAI algorithm predicts no significant impact on splicing and the REVEL meta-predictor score (0.44) for this variant is indeterminate regarding the effect that it may have on protein function according Pejaver 2022 thresholds (PMID: 36413997). To our knowledge, neither clinical data nor functional studies have been reported for this variant. At present ClinVar does not describe pathogenic or likely pathogenic missense variants in this codon. This variant has not been reported neither in ClinVar nor LOVD databases. Based on currently available information, the variant c.593C>T should be considered an uncertain significance variant.

NM_005359.6(SMAD4):c.593C>T (p.Pro198Leu)

Gene: SMAD4 (SMAD family member 4; plus strand). Cytogenetic location: 18q21.2.
Variant type: single nucleotide variant.
Coding change: c.593C>T on transcript NM_005359.6 (MANE Select); coding-DNA position 593, C replaced by T.
Protein change: p.Pro198Leu; replaces proline 198 with leucine.
Molecular consequence: missense variant. On other transcripts: non-coding transcript variant (2).
Genome position (GRCh38, 1-based): chr18:51,054,919, C>T. VCF-style: chr18-51054919-C-T. GRCh37 (hg19) VCF-style: chr18-48581289-C-T.
Other names: c.593C>T, p.Pro198Leu (NM_001407041.1, NM_001407042.1, NM_001407043.1); short protein forms P198L.
Identifiers: ClinVar variation 3774472 (VCV003774472.3).
Genomic context (GRCh38, chr18:51,054,919, plus strand): 5'-CAATTCAAACCATCCAGCATCCACCAAGTAATCGTGCATCGACAGAGACATACAGCACCC[C>T]AGCTCTGTTAGCCCCATCTGAGTCTAATGCTACCAGCACTGCCAACTTTCCCAACATTCC-3'
Protein context (NP_005350.1, residues 188-208): NRASTETYST[Pro198Leu]ALLAPSESNA